The following is an entry in ClinVar:

ClinVar aggregate classification (germline): Uncertain significance (1 of 4 stars; one submission).

Allele frequency attached by ClinVar (database versions not stated): gnomAD exomes 0.00001; ExAC 0.00002; gnomAD 0.00002; TOPMed 0.00004.

Submission:

Labcorp Genetics (formerly Invitae), Labcorp
Classification: Uncertain significance. Last evaluated: 2022-05-20. Review status: criteria provided, single submitter. Criteria: Invitae Variant Classification Sherloc (09022015). Collection method: clinical testing. Allele origin: germline.
Comment: This sequence change replaces arginine, which is basic and polar, with glutamine, which is neutral and polar, at codon 1730 of the COL7A1 protein (p.Arg1730Gln). This variant is present in population databases (rs774602003, gnomAD 0.003%). This variant has not been reported in the literature in individuals affected with COL7A1-related conditions. Advanced modeling of protein sequence and biophysical properties (such as structural, functional, and spatial information, amino acid conservation, physicochemical variation, residue mobility, and thermodynamic stability) performed at Invitae indicates that this missense variant is not expected to disrupt COL7A1 protein function. In summary, the available evidence is currently insufficient to determine the role of this variant in disease. Therefore, it has been classified as a Variant of Uncertain Significance.

NM_000094.4(COL7A1):c.5189G>A (p.Arg1730Gln)

Gene: COL7A1 (collagen type VII alpha 1 chain; minus strand). Cytogenetic location: 3p21.31.
Variant type: single nucleotide variant.
Coding change: c.5189G>A on transcript NM_000094.4 (MANE Select); coding-DNA position 5189, G replaced by A.
Protein change: p.Arg1730Gln; replaces arginine 1730 with glutamine.
Molecular consequence: missense variant.
Genome position (GRCh38, 1-based): chr3:48,579,634, C>T on the plus strand (G>A on the coding strand, the complement: COL7A1 is on the minus strand). VCF-style: chr3-48579634-C-T. GRCh37 (hg19) VCF-style: chr3-48617067-C-T.
Other names: short protein forms R1730Q.
Identifiers: ClinVar variation 2161210 (VCV002161210.1), dbSNP rs774602003, ClinGen allele CA2379617.